The following is an entry in ClinVar:

ClinVar aggregate classification (germline): Pathogenic (1 of 4 stars; one submission).

Conditions:
Jeune thoracic dystrophy. Also called: Short-rib thoracic dysplasia; Jeune syndrome; Infantile thoracic dystrophy; Thoracic pelvic phalangeal dystrophy; Jeune's syndrome; Chondroectodermal dysplasia-like syndrome. Identifiers: Orphanet 474, MedGen C0265275, MONDO:0018770.

Allele frequency attached by ClinVar (database versions not stated): gnomAD exomes below 0.00001.
gnomAD v4.1: 2 of 1,612,572 alleles (0.00012%); highest among the groups gnomAD compares: South Asian, 0.0022%; no homozygotes.

Submission:

Labcorp Genetics (formerly Invitae), Labcorp
Classification: Pathogenic for Jeune thoracic dystrophy. Last evaluated: 2022-02-23. Review status: criteria provided, single submitter. Criteria: Invitae Variant Classification Sherloc (09022015). Collection method: clinical testing. Allele origin: germline.
Comment: This sequence change creates a premature translational stop signal (p.Trp40*) in the IFT80 gene. It is expected to result in an absent or disrupted protein product. Loss-of-function variants in IFT80 are known to be pathogenic (PMID: 21227999, 23339108, 29068549). This variant is present in population databases (rs11707242, gnomAD 0.003%). This variant has not been reported in the literature in individuals affected with IFT80-related conditions. For these reasons, this variant has been classified as Pathogenic.

Literature cited by the submitters: PubMed 21227999; PubMed 23339108; PubMed 29068549.

NM_020800.3(IFT80):c.120G>A (p.Trp40Ter)

Genes: IFT80 (intraflagellar transport 80; minus strand), TRIM59-IFT80 (TRIM59-IFT80 readthrough (NMD candidate); minus strand). Cytogenetic location: 3q25.33.
Variant type: single nucleotide variant.
Coding change: c.120G>A on transcript NM_020800.3 (MANE Select); coding-DNA position 120, G replaced by A.
Protein change: p.Trp40Ter; replaces tryptophan 40 with a stop codon.
Molecular consequence: nonsense. On other transcripts: non-coding transcript variant (2), 5 prime UTR variant (2).
Genome position (GRCh38, 1-based): chr3:160,381,642, C>T on the plus strand (G>A on the coding strand, the complement: IFT80 is on the minus strand). VCF-style: chr3-160381642-C-T. GRCh37 (hg19) VCF-style: chr3-160099430-C-T.
Other names: c.-292G>A (NM_001190241.2, NM_001190242.2); short protein forms W40*.
Identifiers: ClinVar variation 2075255 (VCV002075255.4), dbSNP rs11707242, ClinGen allele CA2685575.